The following is an entry in ClinVar:

ClinVar aggregate classification (germline): Pathogenic. Review status: criteria provided, single submitter (1 of 4 stars). 3 submissions from 3 submitters: Pathogenic (1). 2 of the submissions do not count toward it. Last evaluated 2024-10-15.

Conditions:
Lipase deficiency, combined. Also called: LIPOPROTEIN LIPASE DEFICIENCY WITH HEPATIC TRIGLYCERIDE LIPASE DEFICIENCY; LPL AND HL DEFICIENCY; LPL AND HTGL DEFICIENCY. Identifiers: Orphanet 535453, MedGen C1855498, MONDO:0009527, OMIM 246650.

gnomAD v4.1: 4 of 1,613,308 alleles (0.00025%); highest among the groups gnomAD compares: Middle Eastern, 0.033%; no homozygotes.

Submissions (3):

Labcorp Genetics (formerly Invitae), Labcorp
Classification: Pathogenic. Last evaluated: 2024-10-15. Review status: criteria provided, single submitter. Criteria: Invitae Variant Classification Sherloc (09022015). Collection method: clinical testing. Allele origin: germline.
Comment: This sequence change creates a premature translational stop signal (p.Tyr439*) in the LMF1 gene. It is expected to result in an absent or disrupted protein product. Loss-of-function variants in LMF1 are known to be pathogenic (PMID: 17994020, 19820022, 22239554). This variant is not present in population databases (gnomAD no frequency). This premature translational stop signal has been observed in individual(s) with combined lipase deficiency (PMID: 17994020). ClinVar contains an entry for this variant (Variation ID: 792). Algorithms developed to predict the effect of variants on gene product structure and function are not available or were not evaluated for this variant. Experimental studies have shown that this premature translational stop signal affects LMF1 function (PMID: 17994020). For these reasons, this variant has been classified as Pathogenic.

GBinsight Genetic Testing by GB HealthWatch, Genben Lifesciences Corporation
Classification: Pathogenic for Lipase deficiency, combined. Last evaluated: 2020-05-27. Review status: no assertion criteria provided. Collection method: clinical testing. Allele origin: germline. Inheritance: Autosomal recessive inheritance. Affected: yes. Observed: 1 homozygote. Not counted in ClinVar's aggregate classification.
Comment: Clinical genetic testing identified homozygosity for the Cys77Tyr (NM_178172.6:c.230G>A) genetic variant in the the germline. Phenotype segregated with genotype in family members. This variant introduces a premature stop codon, which can cause nonsense-mediated decay of the mutant protein. PÃ©terfy et al (PMID: 17994020) identified this genetic variant in patients with severe hypertriglyceridemia and classified this variant as pathogenic for LMF1 deficiency.

OMIM
Classification: Pathogenic for LIPASE DEFICIENCY, COMBINED. Last evaluated: 2007-12-01. Review status: no assertion criteria provided. Collection method: literature only. Allele origin: germline. Not counted in ClinVar's aggregate classification.

Literature cited by the submitters: PubMed 17994020 (cited by Labcorp Genetics (formerly Invitae), Labcorp and OMIM); PubMed 19820022 (cited by Labcorp Genetics (formerly Invitae), Labcorp); PubMed 22239554 (cited by Labcorp Genetics (formerly Invitae), Labcorp).

NM_022773.4(LMF1):c.1317C>G (p.Tyr439Ter)

Gene: LMF1 (lipase maturation factor 1; minus strand). Cytogenetic location: 16p13.3.
Variant type: single nucleotide variant.
Coding change: c.1317C>G on transcript NM_022773.4 (MANE Select); coding-DNA position 1317, C replaced by G.
Protein change: p.Tyr439Ter; replaces tyrosine 439 with a stop codon.
Molecular consequence: nonsense. On other transcripts: non-coding transcript variant (1).
Genome position (GRCh38, 1-based): chr16:869,982, G>C on the plus strand (C>G on the coding strand, the complement: LMF1 is on the minus strand). VCF-style: chr16-869982-G-C. GRCh37 (hg19) VCF-style: chr16-919982-G-C.
Other names: c.666C>G, p.Tyr222Ter (NM_001352017.2, NM_001352021.2); c.918C>G, p.Tyr306Ter (NM_001352018.2); c.990C>G, p.Tyr330Ter (NM_001352019.2); c.1317C>G, p.Tyr439Ter (NM_001352020.1); short protein forms Y439*, Y222*, Y306*, Y330*.
Identifiers: ClinVar variation 792 (VCV000000792.7), dbSNP rs121909397, ClinGen allele CA114516.